The following is an entry in ClinVar:

NM_006950.3(SYN1):c.1592G>A (p.Arg531His)

Gene: SYN1 (synapsin I; minus strand). Cytogenetic location: Xp11.3.
Variant type: single nucleotide variant.
Coding change: c.1592G>A on transcript NM_006950.3 (MANE Select); coding-DNA position 1592, G replaced by A.
Protein change: p.Arg531His; replaces arginine 531 with histidine.
Molecular consequence: missense variant.
Genome position (GRCh38, 1-based): chrX:47,574,392, C>T on the plus strand (G>A on the coding strand, the complement: SYN1 is on the minus strand). VCF-style: chrX-47574392-C-T. GRCh37 (hg19) VCF-style: chrX-47433791-C-T.
Other names: c.1592G>A, p.Arg531His (NM_133499.2); short protein forms R531H.
Identifiers: ClinVar variation 1352813 (VCV001352813.8), dbSNP rs2147912269, ClinGen allele CA412823170.

ClinVar aggregate classification (germline): Uncertain significance (1 of 4 stars; one submission).

Conditions:
Epilepsy, X-linked 1, with variable learning disabilities and behavior disorders. Also called: X-linked epilepsy-learning disabilities-behavior disorders syndrome. Identifiers: Orphanet 85294, MedGen C5774177, MONDO:0010339, OMIM 300491.

Submission:

Labcorp Genetics (formerly Invitae), Labcorp
Classification: Uncertain significance for Epilepsy, X-linked 1, with variable learning disabilities and behavior disorders. Last evaluated: 2022-03-08. Review status: criteria provided, single submitter. Criteria: Invitae Variant Classification Sherloc (09022015). Collection method: clinical testing. Allele origin: germline.
Comment: Algorithms developed to predict the effect of missense changes on protein structure and function are either unavailable or do not agree on the potential impact of this missense change (SIFT: "Tolerated"; PolyPhen-2: "Not Available"; Align-GVGD: "Class C0"). This variant has not been reported in the literature in individuals affected with SYN1-related conditions. The frequency data for this variant in the population databases is considered unreliable, as metrics indicate insufficient coverage at this position in the gnomAD database. This sequence change replaces arginine, which is basic and polar, with histidine, which is basic and polar, at codon 531 of the SYN1 protein (p.Arg531His). In summary, the available evidence is currently insufficient to determine the role of this variant in disease. Therefore, it has been classified as a Variant of Uncertain Significance.